The following is an entry in ClinVar:

ClinVar aggregate classification (germline): Uncertain significance. Review status: criteria provided, multiple submitters, no conflicts (2 of 4 stars). 2 submissions from 2 submitters: Uncertain significance (2). Last evaluated 2026-01-27.

Submissions (2):

Labcorp Genetics (formerly Invitae), Labcorp
Classification: Uncertain significance. Last evaluated: 2026-01-27. Review status: criteria provided, single submitter. Criteria: Invitae Variant Classification Sherloc (09022015). Collection method: clinical testing. Allele origin: germline.
Comment: This sequence change replaces serine, which is neutral and polar, with alanine, which is neutral and non-polar, at codon 71 of the EIF2AK1 protein (p.Ser71Ala). This variant is not present in population databases (gnomAD no frequency). This variant has not been reported in the literature in individuals affected with EIF2AK1-related conditions. ClinVar contains an entry for this variant (Variation ID: 3697399). An algorithm developed to predict the effect of missense changes on protein structure and function (PolyPhen-2) suggests that this variant is likely to be disruptive. In summary, the available evidence is currently insufficient to determine the role of this variant in disease. Therefore, it has been classified as a Variant of Uncertain Significance.

Ambry Genetics
Classification: Uncertain significance. Last evaluated: 2025-12-03. Review status: criteria provided, single submitter. Criteria: Ambry Variant Classification Scheme 2023. Collection method: clinical testing. Allele origin: germline.

NM_014413.4(EIF2AK1):c.211T>G (p.Ser71Ala)

Gene: EIF2AK1 (eukaryotic translation initiation factor 2 alpha kinase 1; minus strand). Cytogenetic location: 7p22.1.
Variant type: single nucleotide variant.
Coding change: c.211T>G on transcript NM_014413.4 (MANE Select); coding-DNA position 211, T replaced by G.
Protein change: p.Ser71Ala; replaces serine 71 with alanine.
Molecular consequence: missense variant.
Genome position (GRCh38, 1-based): chr7:6,054,612, A>C on the plus strand (T>G on the coding strand, the complement: EIF2AK1 is on the minus strand). VCF-style: chr7-6054612-A-C. GRCh37 (hg19) VCF-style: chr7-6094243-A-C.
Other names: c.211T>G, p.Ser71Ala (NM_001134335.2); c.211T>G (NM_014413.3); short protein forms S71A.
Identifiers: ClinVar variation 3697399 (VCV003697399.3).
Genomic context (GRCh38, chr7:6,054,612, plus strand): 5'-ACACCTGTCTTGAACGAAGTGGGTTTGGTTCATGCACGTGGCTCAAGTGCTCCAGCAAAG[A>C]AACCAGCAAGAGTTGGTTTGCAACTGCAAAAGGGAAGGTTGGCTGTTGTAGGGGTTCTTT-3'
Protein context (NP_055228.2, residues 61-81): FAVANQLLLV[Ser71Ala]LLEHLSHVHE